The following is an entry in ClinVar:

NM_000052.7(ATP7A):c.3112G>A (p.Val1038Ile)

Gene: ATP7A (ATPase copper transporting alpha; plus strand). Cytogenetic location: Xq21.1.
Variant type: single nucleotide variant.
Coding change: c.3112G>A on transcript NM_000052.7 (MANE Select); coding-DNA position 3112, G replaced by A.
Protein change: p.Val1038Ile; replaces valine 1038 with isoleucine.
Molecular consequence: missense variant. On other transcripts: non-coding transcript variant (1).
Genome position (GRCh38, 1-based): chrX:78,031,400, G>A. VCF-style: chrX-78031400-G-A. GRCh37 (hg19) VCF-style: chrX-77286898-G-A.
Other names: c.2878G>A, p.Val960Ile (NM_001282224.2); short protein forms V1038I, V960I.
Identifiers: ClinVar variation 392215 (VCV000392215.13), dbSNP rs181435872, ClinGen allele CA10459383.

ClinVar aggregate classification (germline): Conflicting classifications of pathogenicity. Review status: criteria provided, conflicting classifications (1 of 4 stars). 2 submissions from 2 submitters: Uncertain significance (1); Likely benign (1). Last evaluated 2026-01-21.

Conditions:
Cutis laxa, X-linked (OHS). Also called: EDS IX; Occipital horn syndrome. Identifiers: Orphanet 198, MedGen C0268353, MONDO:0010572, OMIM 304150.
Menkes kinky-hair syndrome (MNK). Also called: Copper transport disease; Menkes Disease; Classic Menkes Disease. Identifiers: Orphanet 565, MedGen C0022716, MONDO:0010651, OMIM 309400.
X-linked distal spinal muscular atrophy type 3. Also called: ATP7A-Related Distal Motor Neuropathy; NEURONOPATHY, DISTAL HEREDITARY MOTOR, X-LINKED; NEUROPATHY, DISTAL HEREDITARY MOTOR, X-LINKED; SPINAL MUSCULAR ATROPHY, DISTAL, X-LINKED RECESSIVE. Identifiers: Orphanet 139557, MedGen C1845359, MONDO:0010338, OMIM 300489.

Allele frequency attached by ClinVar (database versions not stated): ExAC 0.00003; gnomAD exomes 0.00003 and 0.00005; TOPMed 0.00005; 1000 Genomes Project 30x 0.00021; 1000 Genomes Project 0.00026; gnomAD 0.00001 and 0.00002.
gnomAD v4.1: 30 of 1,206,440 alleles (0.0025%); highest among the groups gnomAD compares: East Asian, 0.083%; no homozygotes.

Submissions (2):

Labcorp Genetics (formerly Invitae), Labcorp
Classification: Likely benign for X-linked distal spinal muscular atrophy type 3; Cutis laxa, X-linked; Menkes kinky-hair syndrome. Last evaluated: 2026-01-21. Review status: criteria provided, single submitter. Criteria: Invitae Variant Classification Sherloc (09022015). Collection method: clinical testing. Allele origin: germline.

GeneDx
Classification: Uncertain significance. Last evaluated: 2016-12-27. Review status: criteria provided, single submitter. Criteria: GeneDx Variant Classification (06012015). Collection method: clinical testing. Allele origin: germline. Affected: yes.
Comment: V1038I was not observed in approximately 6,500 individuals of European and African American ancestry in the NHLBI Exome Sequencing Project, but was observed in a small percentage of alleles (0.05%), including two hemizygous males, from individuals of East Asian ancestry in the Exome Aggregation Consortium (ExAC). The V1038I variant is a conservative amino acid substitution, which is not likely to impact secondary protein structure as these residues share similar properties. In addition, this substitution occurs at a position where amino acids with similar properties to Valine are tolerated across species, and where I1038 is the native residue in multiple species. Nevertheless, in silico analysis is inconsistent in its predictions as to whether or not the variant is damaging to the protein structure/function.Therefore, based on the currently available information, it is unclear whether this X-linked variant is pathogenic or rare benign. This result cannot be interpreted for diagnosis or used for family member screening at this time.